The following is an entry in ClinVar:

ClinVar aggregate classification (germline): Pathogenic (1 of 4 stars; one submission).

Conditions:
Hereditary cancer-predisposing syndrome. Also called: Hereditary Cancer Syndrome; Hereditary neoplastic syndrome; Neoplastic Syndromes, Hereditary; Tumor predisposition. Identifiers: Orphanet 140162, MedGen C0027672, MeSH D009386, MONDO:0015356.

Submission:

Ambry Genetics
Classification: Pathogenic for Hereditary cancer-predisposing syndrome. Last evaluated: 2020-07-09. Review status: criteria provided, single submitter. Criteria: Ambry Variant Classification Scheme 2023. Collection method: clinical testing. Allele origin: germline.
Comment: The c.1298_1299delAT pathogenic mutation, located in coding exon 4 of the MSH6 gene, results from a deletion of two nucleotides at nucleotide positions 1298 to 1299, causing a translational frameshift with a predicted alternate stop codon (p.Y433*). An alteration with a different nucleotide change leading to the same alternate stop codon (designated c.1299T>A, p.Tyr433X) has been reported in an individual diagnosed with rectal cancer in which tumor tissue showed loss of MSH6 protein staining on immunohistochemical testing (Juli&eacute; C et al. Am. J. Gastroenterol., 2008 Nov;103:2825-35; quiz 2836). In addition to the clinical data presented in the literature, this alteration is expected to result in loss of function by premature protein truncation or nonsense-mediated mRNA decay. As such, this alteration is interpreted as a disease-causing mutation.

Literature cited by the submitters: PubMed 18759827.

NM_000179.3(MSH6):c.1298_1299del (p.Phe432_Tyr433insTer)

Gene: MSH6 (mutS homolog 6; plus strand). Cytogenetic location: 2p16.3.
Variant type: Deletion.
Coding change: c.1298_1299del on transcript NM_000179.3 (MANE Select); coding-DNA positions 1298 to 1299, 2 bases deleted (AT; older notation c.1298_1299delAT).
Protein change: p.Phe432_Tyr433insTer.
Molecular consequence: nonsense. On other transcripts: frameshift variant (35).
Genome position (GRCh38, 1-based): chr2:47,799,281-47,799,282, AT deleted; deleting any 2 consecutive bases within chr2:47,799,280-47,799,282 gives the same sequence; the c. name uses the placement nearest the transcript's 3' end. VCF-style (leftmost placement, unchanged base first): chr2-47799279-TTA-T. GRCh37 (hg19) VCF-style: chr2-48026418-TTA-T.
Other names: c.908_909del, p.Phe302_Tyr303insTer (NM_001281492.2); c.392_393del, p.Phe130_Tyr131insTer (NM_001281493.2, NM_001281494.2); c.1394_1395delAT, p.Tyr465Terfs (NM_001406795.1, NM_001406802.1); c.1298_1299delAT, p.Tyr433Terfs (NM_001406796.1, NM_001406798.1, NM_001406800.1 and 4 more transcripts); c.1001_1002delAT, p.Tyr334Terfs (NM_001406797.1, NM_001406801.1, NM_001406805.1 and 10 more transcripts); c.773_774delAT, p.Tyr258Terfs (NM_001406799.1, NM_001406806.1, NM_001406807.1); c.1220_1221delAT, p.Tyr407Terfs (NM_001406804.1); c.392_393delAT, p.Tyr131Terfs (NM_001406811.1, NM_001406812.1, NM_001406814.1 and 4 more transcripts); and 2 more.
Identifiers: ClinVar variation 1769254 (VCV001769254.2), dbSNP rs2530601712, ClinGen allele CA2580067558.